The following is an entry in ClinVar:

NM_144991.3(TSPEAR):c.1072G>A (p.Glu358Lys)

Gene: TSPEAR (thrombospondin type laminin G domain and EAR repeats; minus strand). Cytogenetic location: 21q22.3.
Variant type: single nucleotide variant.
Coding change: c.1072G>A on transcript NM_144991.3 (MANE Select); coding-DNA position 1072, G replaced by A.
Protein change: p.Glu358Lys; replaces glutamic acid 358 with lysine.
Molecular consequence: missense variant.
Genome position (GRCh38, 1-based): chr21:44,527,369, C>T on the plus strand (G>A on the coding strand, the complement: TSPEAR is on the minus strand). VCF-style: chr21-44527369-C-T. GRCh37 (hg19) VCF-style: chr21-45947252-C-T.
Other names: c.868G>A, p.Glu290Lys (NM_001272037.2); short protein forms E358K, E290K.
Identifiers: ClinVar variation 2348732 (VCV002348732.4), dbSNP rs370428426, ClinGen allele CA10056736.
Genomic context (GRCh38, chr21:44,527,369, plus strand): 5'-AATGCCTCCAGGCCTGTGCTTGGTGCGTGGGGATGTTCTGATATGAGACGAACTTCTCTT[C>T]GGTCCACTTGTAGACGGCGGATGTGGCTTTGCGATTGGCTGTGGCCACAAAGAGCCCCAC-3'
Protein context (NP_659428.2, residues 348-368): KATSAVYKWT[Glu358Lys]EKFVSYQNIP

ClinVar aggregate classification (germline): Uncertain significance. Review status: criteria provided, multiple submitters, no conflicts (2 of 4 stars). 2 submissions from 2 submitters: Uncertain significance (2). Last evaluated 2025-08-18.

Conditions:
Inborn genetic diseases. Identifiers: MedGen C0950123, MeSH D030342.

Allele frequency attached by ClinVar (database versions not stated): TOPMed 0.00008; gnomAD 0.00009; ESP Exome Variant Server 0.00015.
gnomAD v4.1: 114 of 1,614,188 alleles (0.0071%); highest among the groups gnomAD compares: Non-Finnish European, 0.0078%; no homozygotes.

Submissions (2):

GeneDx
Classification: Uncertain significance. Last evaluated: 2025-08-18. Review status: criteria provided, single submitter. Criteria: GeneDx Variant Classification Process June 2021. Collection method: clinical testing. Allele origin: germline. Affected: yes.
Comment: In silico analysis suggests that this missense variant does not alter protein structure/function; Has not been previously published as pathogenic or benign to our knowledge

Ambry Genetics
Classification: Uncertain significance for Inborn genetic diseases. Last evaluated: 2022-10-04. Review status: criteria provided, single submitter. Criteria: Ambry Variant Classification Scheme 2023. Collection method: clinical testing. Allele origin: germline.